The following is an entry in ClinVar:

ClinVar aggregate classification (germline): Uncertain significance. Review status: criteria provided, multiple submitters, no conflicts (2 of 4 stars). 2 submissions from 2 submitters: Uncertain significance (2). Last evaluated 2025-11-25.

gnomAD v4.1: 12 of 1,613,414 alleles (0.00074%); highest among the groups gnomAD compares: East Asian, 0.0045%; no homozygotes.

Submissions (2):

Labcorp Genetics (formerly Invitae), Labcorp
Classification: Uncertain significance. Last evaluated: 2025-11-25. Review status: criteria provided, single submitter. Criteria: Invitae Variant Classification Sherloc (09022015). Collection method: clinical testing. Allele origin: germline.
Comment: This sequence change replaces serine, which is neutral and polar, with leucine, which is neutral and non-polar, at codon 331 of the ZCCHC8 protein (p.Ser331Leu). This variant is present in population databases (no rsID available, gnomAD 0.0009%). This variant has not been reported in the literature in individuals affected with ZCCHC8-related conditions. ClinVar contains an entry for this variant (Variation ID: 3984119). Invitae Evidence Modeling of protein sequence and biophysical properties (such as structural, functional, and spatial information, amino acid conservation, physicochemical variation, residue mobility, and thermodynamic stability) indicates that this missense variant is expected to disrupt ZCCHC8 protein function with a positive predictive value of 80%. In summary, the available evidence is currently insufficient to determine the role of this variant in disease. Therefore, it has been classified as a Variant of Uncertain Significance.

Ambry Genetics
Classification: Uncertain significance. Last evaluated: 2025-05-16. Review status: criteria provided, single submitter. Criteria: Ambry Variant Classification Scheme 2023. Collection method: clinical testing. Allele origin: germline.

NM_017612.5(ZCCHC8):c.992C>T (p.Ser331Leu)

Gene: ZCCHC8 (zinc finger CCHC-type containing 8; minus strand). Cytogenetic location: 12q24.31.
Variant type: single nucleotide variant.
Coding change: c.992C>T on transcript NM_017612.5 (MANE Select); coding-DNA position 992, C replaced by T.
Protein change: p.Ser331Leu; replaces serine 331 with leucine.
Molecular consequence: missense variant.
Genome position (GRCh38, 1-based): chr12:122,481,548, G>A on the plus strand (C>T on the coding strand, the complement: ZCCHC8 is on the minus strand). VCF-style: chr12-122481548-G-A. GRCh37 (hg19) VCF-style: chr12-122966095-G-A.
Other names: c.278C>T, p.Ser93Leu (NM_001350938.2, NM_001350937.2); c.761C>T, p.Ser254Leu (NM_001350935.2); c.695C>T, p.Ser232Leu (NM_001350936.2); short protein forms S254L, S331L, S93L, S232L.
Identifiers: ClinVar variation 3984119 (VCV003984119.2).
Genomic context (GRCh38, chr12:122,481,548, plus strand): 5'-CTTAAGGTGACTTCTCTAACTTAAGATACTATACCTTTTCCATCATAGAGTGCAAGCCCC[G>A]AATTCTCCAATTCAGCCTCTTTGAGCCACCCTGGTGGGTACCCTAGCTGGCGCATCCGAT-3'
Protein context (NP_060082.2, residues 321-341): GWLKEAELEN[Ser331Leu]GLALYDGKDG